The following is an entry in ClinVar:

ClinVar aggregate classification (germline): Uncertain significance. Review status: criteria provided, multiple submitters, no conflicts (2 of 4 stars). 2 submissions from 2 submitters: Uncertain significance (2). Last evaluated 2022-01-13.

Conditions:
Immunodeficiency 67. Also called: Immunodeficiency due to interleukin-1 receptor-associated kinase-4 deficiency. Identifiers: Orphanet 70592, MedGen C1843256, MONDO:0011888, OMIM 607676.

Allele frequency attached by ClinVar (database versions not stated): gnomAD exomes below 0.00001 and 0.00001; TOPMed below 0.00001; gnomAD 0.00001.
gnomAD v4.1: 6 of 1,613,304 alleles (0.00037%); highest among the groups gnomAD compares: Non-Finnish European, 0.00051%; no homozygotes.

Submissions (2):

Labcorp Genetics (formerly Invitae), Labcorp
Classification: Uncertain significance for Immunodeficiency 67. Last evaluated: 2022-01-13. Review status: criteria provided, single submitter. Criteria: Invitae Variant Classification Sherloc (09022015). Collection method: clinical testing. Allele origin: germline.
Comment: This sequence change replaces leucine, which is neutral and non-polar, with isoleucine, which is neutral and non-polar, at codon 35 of the IRAK4 protein (p.Leu35Ile). This variant is present in population databases (no rsID available, gnomAD 0.003%). This variant has not been reported in the literature in individuals affected with IRAK4-related conditions. ClinVar contains an entry for this variant (Variation ID: 881838). Advanced modeling of protein sequence and biophysical properties (such as structural, functional, and spatial information, amino acid conservation, physicochemical variation, residue mobility, and thermodynamic stability) performed at Invitae indicates that this missense variant is not expected to disrupt IRAK4 protein function. In summary, the available evidence is currently insufficient to determine the role of this variant in disease. Therefore, it has been classified as a Variant of Uncertain Significance.

Illumina Laboratory Services, Illumina
Classification: Uncertain significance for Immunodeficiency 67. Last evaluated: 2018-01-13. Review status: criteria provided, single submitter. Criteria: ICSL Variant Classification Criteria 13 December 2019. Collection method: clinical testing. Allele origin: germline.

NM_016123.4(IRAK4):c.103T>A (p.Leu35Ile)

Gene: IRAK4 (interleukin 1 receptor associated kinase 4; plus strand). Cytogenetic location: 12q12.
Variant type: single nucleotide variant.
Coding change: c.103T>A on transcript NM_016123.4 (MANE Select); coding-DNA position 103, T replaced by A.
Protein change: p.Leu35Ile; replaces leucine 35 with isoleucine.
Molecular consequence: missense variant. On other transcripts: 5 prime UTR variant (8), intron variant (2).
Genome position (GRCh38, 1-based): chr12:43,768,214, T>A. VCF-style: chr12-43768214-T-A. GRCh37 (hg19) VCF-style: chr12-44162017-T-A.
Other names: c.103T>A, p.Leu35Ile (NM_001114182.3, NM_001351345.2); c.-124T>A (NM_001145256.2, NM_001145257.2, NM_001351338.2); c.-337T>A (NM_001351339.2, NM_001351340.2, NM_001351341.2); c.-275T>A (NM_001351343.2, NM_001351344.2); c.-278-2824T>A (NM_001351342.2); c.-65-3966T>A (NM_001145258.2); short protein forms L35I.
Identifiers: ClinVar variation 881838 (VCV000881838.5), dbSNP rs1423382149, ClinGen allele CA384464550.